The following is an entry in ClinVar:

ClinVar aggregate classification (germline): Uncertain significance. Review status: criteria provided, multiple submitters, no conflicts (2 of 4 stars). 4 submissions from 4 submitters: Uncertain significance (4). Last evaluated 2023-11-14.

Conditions:
Hereditary cancer-predisposing syndrome. Also called: Tumor predisposition; Hereditary Cancer Syndrome; Hereditary neoplastic syndrome; Neoplastic Syndromes, Hereditary. Identifiers: Orphanet 140162, MedGen C0027672, MeSH D009386, MONDO:0015356.
Familial adenomatous polyposis 1 (FAP1). Also called: FAMILIAL ADENOMATOUS POLYPOSIS 1, ATTENUATED; POLYPOSIS, ADENOMATOUS INTESTINAL. Identifiers: MedGen C2713442, MONDO:0021056, OMIM 175100. Disease mechanism: loss of function.

Allele frequency attached by ClinVar (database versions not stated): TOPMed below 0.00001.

Submissions (4):

Ambry Genetics
Classification: Uncertain significance for Hereditary cancer-predisposing syndrome. Last evaluated: 2023-11-14. Review status: criteria provided, single submitter. Criteria: Ambry Variant Classification Scheme 2023. Collection method: clinical testing. Allele origin: germline.
Comment: The p.A59T variant (also known as c.175G>A), located in coding exon 2 of the APC gene, results from a G to A substitution at nucleotide position 175. The alanine at codon 59 is replaced by threonine, an amino acid with similar properties. This amino acid position is not well conserved in available vertebrate species. In addition, in silico predictors for this gene do not accurately predict pathogenicity. Since supporting evidence is limited at this time, the clinical significance of this alteration remains unclear.

Baylor Genetics
Classification: Uncertain significance for Familial adenomatous polyposis 1. Last evaluated: 2023-10-27. Review status: criteria provided, single submitter. Criteria: ACMG Guidelines, 2015. Collection method: clinical testing. Allele origin: unknown.

Sema4
Classification: Uncertain significance for Hereditary cancer-predisposing syndrome. Last evaluated: 2022-02-21. Review status: criteria provided, single submitter. Criteria: Sema4 Curation Guidelines. Collection method: curation. Allele origin: germline.
Comment: The APC c.175G>A (p.A59T) variant has not been reported in the literature to our knowledge. It was not observed in the population database Genome Aggregation Database (PMID: 32461654). This variant has been reported in ClinVar (Variation ID: 487024). Functional studies have not been performed, and in silico predictions of the variant's effect on protein function are inconclusive. Alanine at position 59 is not well conserved, and threonine is found in several mammalian species, raising the possibility that this change might be tolerated. The evidence is insufficient to meet ACMG/AMP criteria for classifying the variant as benign or pathogenic. Thus, the clinical significance of this variant is currently uncertain.

Labcorp Genetics (formerly Invitae), Labcorp
Classification: Uncertain significance for Familial adenomatous polyposis 1. Last evaluated: 2021-10-13. Review status: criteria provided, single submitter. Criteria: Invitae Variant Classification Sherloc (09022015). Collection method: clinical testing. Allele origin: germline.
Comment: Algorithms developed to predict the effect of missense changes on protein structure and function output the following: SIFT: "Tolerated"; PolyPhen-2: "Benign"; Align-GVGD: "Class C0". The threonine amino acid residue is found in multiple mammalian species, which suggests that this missense change does not adversely affect protein function. ClinVar contains an entry for this variant (Variation ID: 487024). This variant has not been reported in the literature in individuals affected with APC-related conditions. This variant is not present in population databases (ExAC no frequency). This sequence change replaces alanine with threonine at codon 59 of the APC protein (p.Ala59Thr). The alanine residue is moderately conserved and there is a small physicochemical difference between alanine and threonine. In summary, the available evidence is currently insufficient to determine the role of this variant in disease. Therefore, it has been classified as a Variant of Uncertain Significance.

NM_000038.6(APC):c.175G>A (p.Ala59Thr)

Gene: APC (APC regulator of Wnt signaling pathway; plus strand). Cytogenetic location: 5q22.2.
Variant type: single nucleotide variant.
Coding change: c.175G>A on transcript NM_000038.6 (MANE Select); coding-DNA position 175, G replaced by A.
Protein change: p.Ala59Thr; replaces alanine 59 with threonine.
Molecular consequence: missense variant. On other transcripts: 5 prime UTR variant (4).
Genome position (GRCh38, 1-based): chr5:112,766,365, G>A. VCF-style: chr5-112766365-G-A. GRCh37 (hg19) VCF-style: chr5-112102062-G-A.
Other names: c.175G>A, p.Ala59Thr (NM_001127510.3, NM_001354895.2, NM_001354896.2 and 2 more transcripts); c.205G>A, p.Ala69Thr (NM_001127511.3, NM_001354897.2, NM_001354902.2); c.100G>A, p.Ala34Thr (NM_001354898.2, NM_001354904.2); c.-3G>A (NM_001354900.2, NM_001354901.2, NM_001354905.2); c.-861G>A (NM_001354906.2); short protein forms A59T, A69T, A34T.
Identifiers: ClinVar variation 487024 (VCV000487024.13), dbSNP rs1554069536, ClinGen allele CA16021729.